The following is an entry in ClinVar:

NM_182961.4(SYNE1):c.15377A>C (p.Glu5126Ala)

Gene: SYNE1 (spectrin repeat containing nuclear envelope protein 1; minus strand). Cytogenetic location: 6q25.2.
Variant type: single nucleotide variant.
Coding change: c.15377A>C on transcript NM_182961.4 (MANE Select); coding-DNA position 15377, A replaced by C.
Protein change: p.Glu5126Ala; replaces glutamic acid 5126 with alanine.
Molecular consequence: missense variant.
Genome position (GRCh38, 1-based): chr6:152,326,019, T>G on the plus strand (A>C on the coding strand, the complement: SYNE1 is on the minus strand). VCF-style: chr6-152326019-T-G. GRCh37 (hg19) VCF-style: chr6-152647154-T-G.
Other names: c.15164A>C, p.Glu5055Ala (NM_033071.5); short protein forms E5055A, E5126A.
Identifiers: ClinVar variation 290917 (VCV000290917.15), dbSNP rs773536890, ClinGen allele CA4055809.
Genomic context (GRCh38, chr6:152,326,019, plus strand): 5'-TTGTGTTCTGACAATTTTTCTTCCGCTTCATGACTAGACGAAGTCTTCAACAAAGAAAAC[T>G]CAGACAATTTCTTTTCTGTATCATTCATCAATTCAATAACCTCTTCCCTTGCTTTCTGGT-3'
Protein context (NP_892006.3, residues 5116-5136): LMNDTEKKLS[Glu5126Ala]FSLLKTSSSH

ClinVar aggregate classification (germline): Conflicting classifications of pathogenicity. Review status: criteria provided, conflicting classifications (1 of 4 stars). 7 submissions from 6 submitters: Uncertain significance (6); Likely benign (1). Last evaluated 2023-10-11.

Conditions:
Emery-Dreifuss muscular dystrophy 4, autosomal dominant (EDMD4). Also called: EMERY-DREIFUSS MUSCULAR DYSTROPHY 4 WITH VARIABLE FEATURES. Identifiers: Orphanet 261, MedGen C2751807, MONDO:0013071, OMIM 612998.
Autosomal recessive ataxia, Beauce type. Also called: Spinocerebellar ataxia, autosomal recessive 8; SYNE1-Related Autosomal Recessive Cerebellar Ataxia; SYNE1 Deficiency; ATAXIA, RECESSIVE, OF BEAUCE. Identifiers: Orphanet 88644, MedGen C1853116, MONDO:0012549, OMIM 610743.

Allele frequency attached by ClinVar (database versions not stated): ExAC 0.00007; gnomAD exomes 0.00009 and 0.00024; gnomAD 0.00011 and 0.00012; TOPMed 0.00012.
gnomAD v4.1: 358 of 1,614,056 alleles (0.022%); highest among the groups gnomAD compares: Non-Finnish European, 0.029%; no homozygotes.

Submissions (7):

Blueprint Genetics
Classification: Uncertain significance. Last evaluated: 2023-10-11. Review status: criteria provided, single submitter. Criteria: ACMG Guidelines, 2015. Collection method: clinical testing. Allele origin: germline.

Revvity Omics, Revvity
Classification: Uncertain significance. Last evaluated: 2022-09-19. Review status: criteria provided, single submitter. Criteria: ACMG Guidelines, 2015. Collection method: clinical testing. Allele origin: germline.

Athena Diagnostics
Classification: Uncertain significance. Last evaluated: 2022-09-13. Review status: criteria provided, single submitter. Criteria: Athena Diagnostics Criteria. Collection method: clinical testing. Allele origin: unknown.

Labcorp Genetics (formerly Invitae), Labcorp
Classification: Uncertain significance for Emery-Dreifuss muscular dystrophy 4, autosomal dominant; Autosomal recessive ataxia, Beauce type. Last evaluated: 2021-12-20. Review status: criteria provided, single submitter. Criteria: Invitae Variant Classification Sherloc (09022015). Collection method: clinical testing. Allele origin: germline.
Comment: This sequence change replaces glutamic acid, which is acidic and polar, with alanine, which is neutral and non-polar, at codon 5055 of the SYNE1 protein (p.Glu5055Ala). This variant is present in population databases (rs773536890, gnomAD 0.02%). This variant has not been reported in the literature in individuals affected with SYNE1-related conditions. ClinVar contains an entry for this variant (Variation ID: 290917). Algorithms developed to predict the effect of missense changes on protein structure and function output the following: SIFT: "Deleterious"; PolyPhen-2: "Benign"; Align-GVGD: "Class C65". The alanine amino acid residue is found in multiple mammalian species, which suggests that this missense change does not adversely affect protein function. In summary, the available evidence is currently insufficient to determine the role of this variant in disease. Therefore, it has been classified as a Variant of Uncertain Significance.

Illumina Laboratory Services, Illumina
Classification: Uncertain significance for Autosomal recessive ataxia, Beauce type. Last evaluated: 2018-01-13. Review status: criteria provided, single submitter. Criteria: ICSL Variant Classification Criteria 13 December 2019. Collection method: clinical testing. Allele origin: germline.

Illumina Laboratory Services, Illumina
Classification: Likely benign for Emery-Dreifuss muscular dystrophy 4, autosomal dominant. Last evaluated: 2018-01-13. Review status: criteria provided, single submitter. Criteria: ICSL Variant Classification Criteria 13 December 2019. Collection method: clinical testing. Allele origin: germline.
Comment: This variant was observed in the ICSL laboratory as part of a predisposition screen in an ostensibly healthy population. It had not been previously curated by ICSL or reported in the Human Gene Mutation Database (HGMD: prior to June 1st, 2018), and was therefore a candidate for classification through an automated scoring system. Utilizing variant allele frequency, disease prevalence and penetrance estimates, and inheritance mode, an automated score was calculated to assess if this variant is too frequent to cause the disease. Based on the score and internal cut-off values, a variant classified as likely benign is not then subjected to further curation. The score for this variant resulted in a classification of likely benign for this disease.

Eurofins Ntd Llc (ga)
Classification: Uncertain significance. Last evaluated: 2016-08-24. Review status: criteria provided, single submitter. Criteria: EGL Classification Definitions 2015. Collection method: clinical testing. Allele origin: germline. Observed: 2 variant alleles, 2 heterozygotes.